The following is an entry in ClinVar:

ClinVar aggregate classification (germline): Uncertain significance (1 of 4 stars; one submission).

Conditions:
Charcot-Marie-Tooth disease type 4. Also called: Charcot-Marie-Tooth disease, type IV; Charcot-Marie-Tooth, Type 4. Identifiers: Orphanet 64749, MedGen C4082197, MONDO:0018995.

Submission:

Labcorp Genetics (formerly Invitae), Labcorp
Classification: Uncertain significance for Charcot-Marie-Tooth disease type 4. Last evaluated: 2022-05-02. Review status: criteria provided, single submitter. Criteria: Invitae Variant Classification Sherloc (09022015). Collection method: clinical testing. Allele origin: germline.
Comment: In summary, the available evidence is currently insufficient to determine the role of this variant in disease. Therefore, it has been classified as a Variant of Uncertain Significance. Algorithms developed to predict the effect of sequence changes on RNA splicing suggest that this variant may disrupt the consensus splice site. This variant has not been reported in the literature in individuals affected with SBF2-related conditions. This variant is not present in population databases (gnomAD no frequency). This sequence change affects codon 1412 of the SBF2 mRNA. It is a 'silent' change, meaning that it does not change the encoded amino acid sequence of the SBF2 protein.

NM_030962.4(SBF2):c.4236A>G (p.Glu1412=)

Genes: SBF2 (SET binding factor 2; minus strand), SBF2-AS1 (SBF2 antisense RNA 1; plus strand). Cytogenetic location: 11p15.4.
Variant type: single nucleotide variant.
Coding change: c.4236A>G on transcript NM_030962.4 (MANE Select); coding-DNA position 4236, A replaced by G.
Protein change: p.Glu1412=; no amino-acid change (glutamic acid 1412 retained).
Molecular consequence: synonymous variant. On other transcripts: non-coding transcript variant (1).
Genome position (GRCh38, 1-based): chr11:9,808,922, T>C on the plus strand (A>G on the coding strand, the complement: SBF2 is on the minus strand). VCF-style: chr11-9808922-T-C. GRCh37 (hg19) VCF-style: chr11-9830469-T-C.
Other names: c.4332A>G, p.Glu1444= (NM_001386339.1); c.4107A>G, p.Glu1369= (NM_001386342.1).
Identifiers: ClinVar variation 2132985 (VCV002132985.4), dbSNP rs2494604018, ClinGen allele CA473060957.